The following is an entry in ClinVar:

ClinVar aggregate classification (germline): Uncertain significance (1 of 4 stars; one submission).

Conditions:
Idiopathic generalized epilepsy. Also called: EIG; Generalised epilepsy. Identifiers: MedGen C0270850, MONDO:0005579, OMIM 600669.
Hyperaldosteronism, familial, type IV (HALD4). Also called: FH IV; ALDOSTERONISM, PRIMARY, AND HYPERTENSION. Identifiers: Orphanet 642671, MedGen C4310756, MONDO:0014875, OMIM 617027.

Submission:

Labcorp Genetics (formerly Invitae), Labcorp
Classification: Uncertain significance for Idiopathic generalized epilepsy; Hyperaldosteronism, familial, type IV. Last evaluated: 2020-08-03. Review status: criteria provided, single submitter. Criteria: Invitae Variant Classification Sherloc (09022015). Collection method: clinical testing. Allele origin: germline.
Comment: This variant is a gross deletion of the genomic region encompassing exon(s) 3-35 of the CACNA1H gene. The 5' boundary is likely confined to intron 2. The 3' end of this event is unknown as it extends through the termination codon beyond the assayed region for this gene and may encompass additional genes. While this deletion is not anticipated to result in nonsense mediated decay, it is expected to create a truncated protein product or disrupt mRNA translation. This variant has not been reported in the literature in individuals with CACNA1H-related conditions. In summary, the available evidence is currently insufficient to determine the role of this variant in disease. Therefore, it has been classified as a Variant of Uncertain Significance.

NC_000016.9:g.(?_1244962)_(1270994_?)del

Gene: CACNA1H (calcium voltage-gated channel subunit alpha1 H; plus strand). Cytogenetic location: 16p13.3.
Variant type: Deletion.
Identifiers: ClinVar variation 1056315 (VCV001056315.1).